The following is an entry in ClinVar:

ClinVar aggregate classification (germline): Pathogenic (1 of 4 stars; one submission).

Conditions:
Congenital hyperammonemia, type I. Also called: CPS I DEFICIENCY; Carbamoyl-phosphate synthase I deficiency; Carbamoyl phosphate synthetase 1 deficiency; Hyperammonemia due to carbamoyl phosphate synthetase 1 deficiency; CPS 1 deficiency; Carbamyl phosphate synthetase (CPS) deficiency. Identifiers: Orphanet 147, MedGen C4082171, MONDO:0009376, OMIM 237300.

Submission:

Labcorp Genetics (formerly Invitae), Labcorp
Classification: Pathogenic for Congenital hyperammonemia, type I. Last evaluated: 2019-07-04. Review status: criteria provided, single submitter. Criteria: Invitae Variant Classification Sherloc (09022015). Collection method: clinical testing. Allele origin: germline.
Comment: This variant has not been reported in the literature in individuals with CPS1-related conditions. Loss-of-function variants in CPS1 are known to be pathogenic (PMID: 21120950). For these reasons, this variant has been classified as Pathogenic. This variant is not present in population databases (ExAC no frequency). This sequence change creates a premature translational stop signal (p.Leu878Phefs*8) in the CPS1 gene. It is expected to result in an absent or disrupted protein product.

Literature cited by the submitters: PubMed 21120950.

NM_001875.5(CPS1):c.2634del (p.Leu878fs)

Gene: CPS1 (carbamoyl-phosphate synthase 1; plus strand). Cytogenetic location: 2q34.
Variant type: Deletion.
Coding change: c.2634del on transcript NM_001875.5 (MANE Select); coding-DNA position 2634, one base deleted (G; older notation c.2634delG).
Protein change: p.Leu878fs; shifts the reading frame from leucine 878.
Molecular consequence: frameshift variant. On other transcripts: non-coding transcript variant (2).
Genome position (GRCh38, 1-based): chr2:210,616,488, G deleted. VCF-style (leftmost placement, unchanged base first): chr2-210616487-TG-T. GRCh37 (hg19) VCF-style: chr2-211481211-TG-T.
Other names: c.2634del, p.Leu878fs (NM_001122633.3, NM_001369257.1); c.2667del, p.Leu889fs (NM_001369256.1); short protein forms L878fs, L889fs.
Identifiers: ClinVar variation 933438 (VCV000933438.7), dbSNP rs1699310540, ClinGen allele CA1139655668.